The following is an entry in ClinVar:

ClinVar aggregate classification (germline): Uncertain significance (1 of 4 stars; one submission).

Conditions:
PGM1-congenital disorder of glycosylation. Also called: GLYCOGEN STORAGE DISEASE XIV; GSD XIV; CDG It; Congenital disorder of glycosylation type 1t; PHOSPHOGLUCOMUTASE 1 DEFICIENCY; PGM1 DEFICIENCY. Identifiers: Orphanet 319646, MedGen C2752015, MONDO:0013968, OMIM 614921.

Allele frequency attached by ClinVar (database versions not stated): gnomAD 0.00001.
gnomAD v4.1: 2 of 1,613,798 alleles (0.00012%); highest among the groups gnomAD compares: Non-Finnish European, 0.00017%; no homozygotes.

Submission:

Labcorp Genetics (formerly Invitae), Labcorp
Classification: Uncertain significance for PGM1-congenital disorder of glycosylation. Last evaluated: 2021-12-09. Review status: criteria provided, single submitter. Criteria: Invitae Variant Classification Sherloc (09022015). Collection method: clinical testing. Allele origin: germline.
Comment: In summary, the available evidence is currently insufficient to determine the role of this variant in disease. Therefore, it has been classified as a Variant of Uncertain Significance. Algorithms developed to predict the effect of missense changes on protein structure and function are either unavailable or do not agree on the potential impact of this missense change (SIFT: "Deleterious"; PolyPhen-2: "Possibly Damaging"; Align-GVGD: "Class C0"). This variant has not been reported in the literature in individuals affected with PGM1-related conditions. This variant is present in population databases (no rsID available, gnomAD 0.007%). This sequence change replaces valine, which is neutral and non-polar, with methionine, which is neutral and non-polar, at codon 26 of the PGM1 protein (p.Val26Met).

NM_002633.3(PGM1):c.76G>A (p.Val26Met)

Genes: PGM1 (phosphoglucomutase 1; plus strand), LOC129930668 (ATAC-STARR-seq lymphoblastoid active region 1127; plus strand). Cytogenetic location: 1p31.3.
Variant type: single nucleotide variant.
Coding change: c.76G>A on transcript NM_002633.3 (MANE Select); coding-DNA position 76, G replaced by A.
Protein change: p.Val26Met; replaces valine 26 with methionine.
Molecular consequence: missense variant.
Genome position (GRCh38, 1-based): chr1:63,593,564, G>A. VCF-style: chr1-63593564-G-A. GRCh37 (hg19) VCF-style: chr1-64059235-G-A.
Other names: short protein forms V26M.
Identifiers: ClinVar variation 1416374 (VCV001416374.6), dbSNP rs1300863085, ClinGen allele CA340639052.
Genomic context (GRCh38, chr1:63,593,564, plus strand): 5'-ACAGTTAAGACCCAGGCGTACCAGGACCAGAAGCCGGGCACGAGCGGGCTGCGGAAGCGG[G>A]TGAAGGTGTTCCAGAGCAGCGCCAACTACGCGGAGAACTTCATCCAGAGTATCATCTCCA-3'
Protein context (NP_002624.2, residues 16-36): KPGTSGLRKR[Val26Met]KVFQSSANYA